The following is an entry in ClinVar:

ClinVar aggregate classification (germline): Uncertain significance. Review status: criteria provided, multiple submitters, no conflicts (2 of 4 stars). 2 submissions from 2 submitters: Uncertain significance (2). Last evaluated 2025-12-12.

Conditions:
Inborn genetic diseases. Identifiers: MedGen C0950123, MeSH D030342.

gnomAD v4.1: 1 of 1,614,194 alleles (0.000062%); highest among the groups gnomAD compares: Admixed American, 0.0017%; no homozygotes.

Submissions (2):

Dasa
Classification: Uncertain significance. Last evaluated: 2025-12-12. Review status: criteria provided, single submitter. Criteria: DASA Assertion Criteria. Collection method: clinical testing. Allele origin: germline.
Comment: NM_022455.5(NSD1):c.7036A>G (p.Arg2346Gly) is a missense variant that results in the substitution of arginine with glycine. This variant is rare in population databases. The currently available literature and clinical evidence are not sufficient to establish a definitive association between this variant and the reported condition. Therefore, this variant is classified as a variant of uncertain significance.

Ambry Genetics
Classification: Uncertain significance for Inborn genetic diseases. Last evaluated: 2025-08-12. Review status: criteria provided, single submitter. Criteria: Ambry Variant Classification Scheme 2023. Collection method: clinical testing. Allele origin: germline.

NM_022455.5(NSD1):c.7036A>G (p.Arg2346Gly)

Gene: NSD1 (nuclear receptor binding SET domain protein 1; plus strand). Cytogenetic location: 5q35.3.
Variant type: single nucleotide variant.
Coding change: c.7036A>G on transcript NM_022455.5 (MANE Select); coding-DNA position 7036, A replaced by G.
Protein change: p.Arg2346Gly; replaces arginine 2346 with glycine.
Molecular consequence: missense variant.
Genome position (GRCh38, 1-based): chr5:177,294,404, A>G. VCF-style: chr5-177294404-A-G. GRCh37 (hg19) VCF-style: chr5-176721405-A-G.
Other names: c.6163A>G, p.Arg2055Gly (NM_001365684.2, NM_001409308.1, NM_172349.5); c.7036A>G, p.Arg2346Gly (NM_001409301.1, NM_001409302.1, NM_001409303.1); c.6616A>G, p.Arg2206Gly (NM_001409304.1); c.6283A>G, p.Arg2095Gly (NM_001409305.1); c.6274A>G, p.Arg2092Gly (NM_001409306.1, NM_001409307.1); c.5914A>G, p.Arg1972Gly (NM_001409309.1); short protein forms R2092G, R2206G, R2346G, R2055G, R1972G, R2095G.
Identifiers: ClinVar variation 4122967 (VCV004122967.3).